The following is an entry in ClinVar:

NM_000388.4(CASR):c.155A>T (p.Lys52Ile)

Gene: CASR (calcium sensing receptor; plus strand). Cytogenetic location: 3q21.1.
Variant type: single nucleotide variant.
Coding change: c.155A>T on transcript NM_000388.4 (MANE Select); coding-DNA position 155, A replaced by T.
Protein change: p.Lys52Ile; replaces lysine 52 with isoleucine.
Molecular consequence: missense variant.
Genome position (GRCh38, 1-based): chr3:122,254,344, A>T. VCF-style: chr3-122254344-A-T. GRCh37 (hg19) VCF-style: chr3-121973191-A-T.
Other names: c.155A>T, p.Lys52Ile (NM_001178065.2); short protein forms K52I.
Identifiers: ClinVar variation 1775220 (VCV001775220.5), dbSNP rs1553765922, ClinGen allele CA354362250.

ClinVar aggregate classification (germline): Uncertain significance. Review status: criteria provided, multiple submitters, no conflicts (2 of 4 stars). 2 submissions from 2 submitters: Uncertain significance (2). Last evaluated 2022-11-23.

Conditions:
Familial hypocalciuric hypercalcemia (FHH). Also called: Familial benign hypercalcemia. Identifiers: Orphanet 405, MedGen C1809471, MONDO:0018458.
Autosomal dominant hypocalcemia 1 (HYPOC1). Also called: HYPOCALCEMIA, FAMILIAL. Identifiers: MedGen C3715128, MONDO:0011013, OMIM 601198.
Nephrolithiasis/nephrocalcinosis. Identifiers: MedGen CN580796.

Submissions (2):

Labcorp Genetics (formerly Invitae), Labcorp
Classification: Uncertain significance for Familial hypocalciuric hypercalcemia; Autosomal dominant hypocalcemia 1. Last evaluated: 2022-11-23. Review status: criteria provided, single submitter. Criteria: Invitae Variant Classification Sherloc (09022015). Collection method: clinical testing. Allele origin: germline.
Comment: In summary, the available evidence is currently insufficient to determine the role of this variant in disease. Therefore, it has been classified as a Variant of Uncertain Significance. Algorithms developed to predict the effect of missense changes on protein structure and function are either unavailable or do not agree on the potential impact of this missense change (SIFT: "Deleterious"; PolyPhen-2: "Benign"; Align-GVGD: "Class C0"). This variant has not been reported in the literature in individuals affected with CASR-related conditions. This variant is not present in population databases (gnomAD no frequency). This sequence change replaces lysine, which is basic and polar, with isoleucine, which is neutral and non-polar, at codon 52 of the CASR protein (p.Lys52Ile).

Ambry Genetics
Classification: Uncertain significance for Nephrolithiasis/nephrocalcinosis. Last evaluated: 2022-05-12. Review status: criteria provided, single submitter. Criteria: Ambry Variant Classification Scheme 2023. Collection method: clinical testing. Allele origin: germline.
Comment: The p.K52I variant (also known as c.155A>T), located in coding exon 1 of the CASR gene, results from an A to T substitution at nucleotide position 155. The lysine at codon 52 is replaced by isoleucine, an amino acid with dissimilar properties. This amino acid position is conserved. In addition, the in silico prediction for this alteration is inconclusive. Since supporting evidence is limited at this time, the clinical significance of this alteration remains unclear.